The following is an entry in ClinVar:

NM_018116.4(MSTO1):c.887_888del (p.Leu296fs)

Gene: MSTO1 (misato mitochondrial distribution and morphology regulator 1; plus strand). Cytogenetic location: 1q22.
Variant type: Deletion.
Coding change: c.887_888del on transcript NM_018116.4 (MANE Select); coding-DNA positions 887 to 888, 2 bases deleted (TT; older notation c.887_888delTT).
Protein change: p.Leu296fs; shifts the reading frame from leucine 296.
Molecular consequence: frameshift variant. On other transcripts: non-coding transcript variant (6).
Genome position (GRCh38, 1-based): chr1:155,612,491-155,612,492, TT deleted. VCF-style (leftmost placement, unchanged base first): chr1-155612490-CTT-C. GRCh37 (hg19) VCF-style: chr1-155582281-CTT-C.
Other names: c.887_888del, p.Leu296fs (NM_001256532.1, NM_001256533.1, NM_001350772.1 and 3 more transcripts); c.722_723del, p.Leu241fs (NM_001350776.1); c.356_357del, p.Leu119fs (NM_001350777.1, NM_001350778.1, NM_001350779.1); c.353_354del, p.Leu118fs (NM_001350780.1, NM_001350781.1, NM_001350782.1 and 3 more transcripts); c.344_345del, p.Leu115fs (NM_001350784.1, NM_001350785.1, NM_001350787.1 and 1 more transcripts); c.887_888del (NM_018116.3); short protein forms L115fs, L118fs, L119fs, L241fs, L296fs.
Identifiers: ClinVar variation 985820 (VCV000985820.14), dbSNP rs752022363, ClinGen allele CA1148053.

ClinVar aggregate classification (germline): Pathogenic/Likely pathogenic. Review status: criteria provided, multiple submitters, no conflicts (2 of 4 stars). 9 submissions from 9 submitters: Pathogenic (5); Likely pathogenic (4). Last evaluated 2025-09-15.

Conditions:
Inborn genetic diseases. Identifiers: MedGen C0950123, MeSH D030342.
MSTO1-related disorder. Also called: MSTO1‑Related Disease.
Mitochondrial myopathy-cerebellar ataxia-pigmentary retinopathy syndrome. Also called: MYOPATHY, MITOCHONDRIAL, AND ATAXIA. Identifiers: Orphanet 502423, MedGen C4540096, MONDO:0044714, OMIM 617675.

Allele frequency attached by ClinVar (database versions not stated): ExAC 0.00002; gnomAD 0.00003 and 0.00004.

Submissions (9):

Labcorp Genetics (formerly Invitae), Labcorp
Classification: Pathogenic. Last evaluated: 2025-09-15. Review status: criteria provided, single submitter. Criteria: Invitae Variant Classification Sherloc (09022015). Collection method: clinical testing. Allele origin: germline.
Comment: This sequence change creates a premature translational stop signal (p.Leu296Argfs*26) in the MSTO1 gene. It is expected to result in an absent or disrupted protein product. Loss-of-function variants in MSTO1 are known to be pathogenic (PMID: 28544275, 29339779, 31463572). The frequency data for this variant in the population databases is considered unreliable, as metrics indicate poor data quality at this position in the gnomAD database. This variant has not been reported in the literature in individuals affected with MSTO1-related conditions. ClinVar contains an entry for this variant (Variation ID: 985820). For these reasons, this variant has been classified as Pathogenic.

Variantyx, Inc.
Classification: Likely pathogenic for Mitochondrial myopathy-cerebellar ataxia-pigmentary retinopathy syndrome. Last evaluated: 2025-05-28. Review status: criteria provided, single submitter. Criteria: Variantyx Assertion Criteria 2022. Collection method: clinical testing. Allele origin: maternal. Inheritance: Autosomal recessive inheritance. Affected: no.
Comment: Pathogenic variants in this gene have been associated with autosomal recessive mitochondrial myopathy and ataxia. This variant introduces a premature termination codon in exon 9 out of 14 and is expected to result in loss of function, which is a known disease mechanism for MSTO1 in this disorder (PMID:29339779)(PVS1). This variant has a 0.0196% maximum allele frequency in non-founder control populations, which is lower than expected for the prevalence of this disorder (PM2). It has not been reported in individuals with MSTO1-related disorders in the databases available for review. Based on the current evidence, this variant is classified as likely pathogenic for autosomal recessive mitochondrial myopathy and ataxia.

3billion
Classification: Pathogenic for Mitochondrial myopathy-cerebellar ataxia-pigmentary retinopathy syndrome. Last evaluated: 2024-06-20. Review status: criteria provided, single submitter. Criteria: ACMG Guidelines, 2015. Collection method: clinical testing. Allele origin: germline. Affected: yes.
Comment: The variant is observed at an extremely low frequency in the gnomAD v4.0.0 dataset (total allele frequency: 0.001%). Predicted Consequence/Location: Frameshift: predicted to result in a loss or disruption of normal protein function through nonsense-mediated decay (NMD) or protein truncation. Multiple pathogenic variants are reported downstream of the variant. The variant has been reported at least twice as pathogenic without evidence for the classification (ClinVar ID: VCV000985820). Therefore, this variant is classified as Pathogenic according to the recommendation of ACMG/AMP guideline.

Blueprint Genetics
Classification: Likely pathogenic for MSTO1-related disorders. Last evaluated: 2023-04-05. Review status: criteria provided, single submitter. Criteria: ACMG Guidelines, 2015. Collection method: clinical testing. Allele origin: germline. Affected: yes. Observed: 5 variant alleles.

Clinical Genetics Laboratory, Skane University Hospital Lund
Classification: Pathogenic. Last evaluated: 2022-08-25. Review status: criteria provided, single submitter. Criteria: ACMG Guidelines, 2015. Collection method: clinical testing. Allele origin: germline. Affected: yes.

Laboratorio de Genetica e Diagnostico Molecular, Hospital Israelita Albert Einstein
Classification: Pathogenic. Last evaluated: 2021-03-29. Review status: criteria provided, single submitter. Criteria: ACMG Guidelines, 2015. Collection method: clinical testing. Allele origin: germline. Affected: yes.
Comment: ACMG classification criteria: PVS1, PS4, PM2

Baylor Genetics
Classification: Pathogenic for Mitochondrial myopathy-cerebellar ataxia-pigmentary retinopathy syndrome. Last evaluated: 2019-05-04. Review status: criteria provided, single submitter. Criteria: ACMG Guidelines, 2015. Collection method: clinical testing. Allele origin: paternal. Affected: yes.
Comment: This variant was determined to be pathogenic according to ACMG Guidelines, 2015 [PMID:25741868].

Ambry Genetics
Classification: Likely pathogenic for Inborn genetic diseases. Last evaluated: 2017-12-18. Review status: criteria provided, single submitter. Criteria: Ambry exome assertion method (8-5-2015). Collection method: clinical testing. Allele origin: germline. Affected: yes. Observed: 1 variant allele.

Juno Genomics, Hangzhou Juno Genomics, Inc
Classification: Likely pathogenic for Mitochondrial myopathy-cerebellar ataxia-pigmentary retinopathy syndrome. Review status: criteria provided, single submitter. Criteria: ACMG Guidelines, 2015. Collection method: clinical testing. Allele origin: germline. Affected: yes.
Comment: Null variant in a gene where loss of function (LOF) is a known mechanism of disease.;Absent from controls (or at extremely low frequency if recessive) in Genome Aggregation Database, Exome Sequencing Project, 1000 Genomes Project, or Exome Aggregation Consortium.

Literature cited by the submitters: PubMed 28544275 (cited by Labcorp Genetics (formerly Invitae), Labcorp); PubMed 29339779 (cited by Labcorp Genetics (formerly Invitae), Labcorp and Variantyx, Inc.); PubMed 31463572 (cited by Labcorp Genetics (formerly Invitae), Labcorp).